The following is an entry in ClinVar:

ClinVar aggregate classification (germline): Pathogenic (1 of 4 stars; one submission).

Submission:

GeneDx
Classification: Pathogenic. Last evaluated: 2018-02-27. Review status: criteria provided, single submitter. Criteria: GeneDx Variant Classification (06012015). Collection method: clinical testing. Allele origin: germline. Affected: yes.
Comment: The c.606delC variant in the MYT1L gene has not been reported previously as a pathogenic variant nor as a benign variant, to our knowledge. The c.606delC variant causes a frameshift starting with codon Lysine 203, changes this amino acid to a Serine residue, and creates a premature Stop codon at position 4 of the new reading frame, denoted p.Lys203SerfsX4. This variant is predicted to cause loss of normal protein function either through protein truncation or nonsense-mediated mRNA decay. The c.606delC variant is not observed in large population cohorts (Lek et al., 2016).

NM_001303052.2(MYT1L):c.606del (p.Lys203fs)

Gene: MYT1L (myelin transcription factor 1 like; minus strand). Cytogenetic location: 2p25.3.
Variant type: Deletion.
Coding change: c.606del on transcript NM_001303052.2 (MANE Select); coding-DNA position 606, one base deleted (C; older notation c.606delC).
Protein change: p.Lys203fs; shifts the reading frame from lysine 203.
Molecular consequence: frameshift variant.
Genome position (GRCh38, 1-based): chr2:1,923,163, G deleted on the plus strand (C on the coding strand, the reverse complement: MYT1L is on the minus strand); the first of 2 consecutive G bases (chr2:1,923,163-1,923,164); deleting either gives the same sequence. VCF-style (leftmost placement, unchanged base first): chr2-1923162-TG-T. GRCh37 (hg19) VCF-style: chr2-1926934-TG-T.
Other names: c.606del, p.Lys203fs (NM_001329844.2, NM_001329845.1, NM_001329846.3 and 6 more transcripts); short protein forms K203fs.
Identifiers: ClinVar variation 504402 (VCV000504402.2), dbSNP rs1553324762, ClinGen allele CA658795671.